The following is an entry in ClinVar:

NM_020754.4(ARHGAP31):c.3458A>G (p.Asp1153Gly)

Gene: ARHGAP31 (Rho GTPase activating protein 31; plus strand). Cytogenetic location: 3q13.33.
Variant type: single nucleotide variant.
Coding change: c.3458A>G on transcript NM_020754.4 (MANE Select); coding-DNA position 3458, A replaced by G.
Protein change: p.Asp1153Gly; replaces aspartic acid 1153 with glycine.
Molecular consequence: missense variant.
Genome position (GRCh38, 1-based): chr3:119,415,387, A>G. VCF-style: chr3-119415387-A-G. GRCh37 (hg19) VCF-style: chr3-119134234-A-G.
Other names: short protein forms D1153G.
Identifiers: ClinVar variation 342668 (VCV000342668.14), dbSNP rs184040818, ClinGen allele CA2554200.

ClinVar aggregate classification (germline): Benign/Likely benign. Review status: criteria provided, multiple submitters, no conflicts (2 of 4 stars). 4 submissions from 4 submitters: Benign (1); Likely benign (2). 1 of the submissions does not count toward it. Last evaluated 2025-11-19.

Conditions:
ARHGAP31-related disorder. Also called: ARHGAP31-related condition.
Inborn genetic diseases. Identifiers: MedGen C0950123, MeSH D030342.

Allele frequency attached by ClinVar (database versions not stated): gnomAD exomes 0.00018 and 0.00045; ExAC 0.00044; ESP Exome Variant Server 0.00158; gnomAD 0.00187 and 0.00198; TOPMed 0.00253; 1000 Genomes Project 30x 0.00312; 1000 Genomes Project 0.00339.
gnomAD v4.1: 567 of 1,613,822 alleles (0.035%); highest among the groups gnomAD compares: African/African-American, 0.56%; no homozygotes.

Submissions (4):

Labcorp Genetics (formerly Invitae), Labcorp
Classification: Benign. Last evaluated: 2025-11-19. Review status: criteria provided, single submitter. Criteria: Invitae Variant Classification Sherloc (09022015). Collection method: clinical testing. Allele origin: germline.

Ambry Genetics
Classification: Likely benign for Inborn genetic diseases. Last evaluated: 2025-08-20. Review status: criteria provided, single submitter. Criteria: Ambry Variant Classification Scheme 2023. Collection method: clinical testing. Allele origin: germline.

Blueprint Genetics
Classification: Likely benign. Last evaluated: 2024-09-16. Review status: criteria provided, single submitter. Criteria: ACMG Guidelines, 2015. Collection method: clinical testing. Allele origin: germline.

PreventionGenetics, part of Exact Sciences
Classification: Likely benign for ARHGAP31-related condition. Last evaluated: 2019-06-04. Review status: no assertion criteria provided. Collection method: clinical testing. Allele origin: germline. Not counted in ClinVar's aggregate classification.
Comment: This variant is classified as likely benign based on ACMG/AMP sequence variant interpretation guidelines (Richards et al. 2015 PMID: 25741868, with internal and published modifications).